The following is an entry in ClinVar:

NM_000048.4(ASL):c.1366C>T (p.Arg456Trp)

Gene: ASL (argininosuccinate lyase; plus strand). Cytogenetic location: 7q11.21.
Variant type: single nucleotide variant.
Coding change: c.1366C>T on transcript NM_000048.4 (MANE Select); coding-DNA position 1366, C replaced by T.
Protein change: p.Arg456Trp; replaces arginine 456 with tryptophan.
Molecular consequence: missense variant.
Genome position (GRCh38, 1-based): chr7:66,092,883, C>T. VCF-style: chr7-66092883-C-T. GRCh37 (hg19) VCF-style: chr7-65557870-C-T.
Other names: c.1366C>T, p.Arg456Trp (NM_001024943.2); c.1306C>T, p.Arg436Trp (NM_001024944.2); c.1288C>T, p.Arg430Trp (NM_001024946.2); short protein forms R436W, R430W, R456W.
Identifiers: ClinVar variation 660049 (VCV000660049.15), dbSNP rs759396688, ClinGen allele CA4277402.

ClinVar aggregate classification (germline): Pathogenic/Likely pathogenic. Review status: criteria provided, multiple submitters, no conflicts (2 of 4 stars). 5 submissions from 5 submitters: Pathogenic (4); Likely pathogenic (1). Last evaluated 2025-06-16.

Conditions:
Argininosuccinate lyase deficiency. Also called: ARGININOSUCCINIC ACID LYASE DEFICIENCY; ASL DEFICIENCY; Argininosuccinic aciduria. Identifiers: Orphanet 23, MedGen C0268547, MONDO:0008815, OMIM 207900, HP:0025630.
ASL-related disorder. Also called: ASL-related condition.

Allele frequency attached by ClinVar (database versions not stated): gnomAD exomes 0.00002; ExAC 0.00003; TOPMed 0.00004; gnomAD 0.00006.
gnomAD v4.1: 71 of 1,610,646 alleles (0.0044%); highest among the groups gnomAD compares: African/African-American, 0.008%; no homozygotes.

Submissions (5):

PreventionGenetics, part of Exact Sciences
Classification: Pathogenic for ASL-related condition. Last evaluated: 2025-06-16. Review status: criteria provided, single submitter. Criteria: ACMG Guidelines, 2015. Collection method: clinical testing. Allele origin: germline.
Comment: The ASL c.1366C>T variant is predicted to result in the amino acid substitution p.Arg456Trp. This variant, also referred to as c.1306C>T (p.Arg436Trp), has been reported with a second ASL variant or in the homozygous state in individuals with argininosuccinic aciduria (see, for example, Trevisson et al 2007. PubMed ID: 17326097; Balmer et al 2013. PubMed ID: 24166829; Leuger et al 2021. PubMed ID: 34765397). In vitro experimental studies suggest this variant impacts protein function (Trevisson et al 2009. PubMed ID: 19703900). This variant is reported in 0.0081% of alleles in individuals of African descent in gnomAD. This variant is interpreted as pathogenic.

Natera, Inc.
Classification: Pathogenic for Argininosuccinate lyase deficiency. Last evaluated: 2024-10-16. Review status: criteria provided, single submitter. Criteria: Natera Variant Classification Schema (03/2026). Collection method: clinical testing. Allele origin: germline.
Comment: The c.1366C>T variant in ASL is a missense variant predicted to cause substitution of arginine to tryptophan at amino acid 456. This variant is rare in the general population with a frequency below the threshold expected for the associated phenotype(s). This variant has been observed in one or more individuals affected with the associated recessive disease, as either homozygous or compound heterozygous with a second variant (PMID: 24166829). Functional studies show that this variant may disrupt protein function (PMID: 24166829). Computational prediction algorithms indicate this variant is likely to affect gene or protein function. Given the available evidence, this variant is classified as Pathogenic.

Department of Human Genetics, Hannover Medical School
Classification: Likely pathogenic for Argininosuccinate lyase deficiency. Last evaluated: 2024-07-30. Review status: criteria provided, single submitter. Criteria: ACMG Guidelines, 2015. Collection method: clinical testing. Allele origin: germline. Inheritance: Autosomal recessive inheritance. Affected: yes.

Baylor Genetics
Classification: Pathogenic for Argininosuccinate lyase deficiency. Last evaluated: 2024-03-26. Review status: criteria provided, single submitter. Criteria: ACMG Guidelines, 2015. Collection method: clinical testing. Allele origin: unknown.

Labcorp Genetics (formerly Invitae), Labcorp
Classification: Pathogenic for Argininosuccinate lyase deficiency. Last evaluated: 2024-01-11. Review status: criteria provided, single submitter. Criteria: Invitae Variant Classification Sherloc (09022015). Collection method: clinical testing. Allele origin: germline.
Comment: This sequence change replaces arginine, which is basic and polar, with tryptophan, which is neutral and slightly polar, at codon 456 of the ASL protein (p.Arg456Trp). This variant is present in population databases (rs759396688, gnomAD 0.008%). This missense change has been observed in individual(s) with ASL-related conditions (PMID: 17326097, 19703900, 24166829, 26843370). In at least one individual the data is consistent with being in trans (on the opposite chromosome) from a pathogenic variant. ClinVar contains an entry for this variant (Variation ID: 660049). Advanced modeling of protein sequence and biophysical properties (such as structural, functional, and spatial information, amino acid conservation, physicochemical variation, residue mobility, and thermodynamic stability) performed at Invitae indicates that this missense variant is expected to disrupt ASL protein function with a positive predictive value of 95%. Experimental studies have shown that this missense change affects ASL function (PMID: 19703900). For these reasons, this variant has been classified as Pathogenic.

Literature cited by the submitters: PubMed 24166829 (cited by Natera, Inc. and Labcorp Genetics (formerly Invitae), Labcorp); PubMed 17326097 (cited by Labcorp Genetics (formerly Invitae), Labcorp); PubMed 19703900 (cited by Labcorp Genetics (formerly Invitae), Labcorp); PubMed 26843370 (cited by Labcorp Genetics (formerly Invitae), Labcorp).